The following is an entry in ClinVar:

ClinVar aggregate classification (germline): Uncertain significance. Review status: criteria provided, multiple submitters, no conflicts (2 of 4 stars). 2 submissions from 2 submitters: Uncertain significance (2). Last evaluated 2026-05-28.

Conditions:
Snijders Blok-Campeau syndrome. Also called: INTELLECTUAL DEVELOPMENTAL DISORDER WITH MACROCEPHALY, SPEECH DELAY, AND DYSMORPHIC FACIES. Identifiers: Orphanet 599082, MedGen C4748701, MONDO:0032600, OMIM 618205.

Allele frequency attached by ClinVar (database versions not stated): gnomAD exomes below 0.00001.
gnomAD v4.1: 1 of 1,614,052 alleles (0.000062%); highest among the groups gnomAD compares: Non-Finnish European, 0.000085%; no homozygotes.

Submissions (2):

Institute of Human Genetics, University of Leipzig Medical Center
Classification: Uncertain significance for Snijders Blok-Campeau syndrome. Last evaluated: 2026-05-28. Review status: criteria provided, single submitter. Criteria: ACMG Guidelines, 2015. Collection method: clinical testing. Allele origin: maternal. Inheritance: Autosomal dominant inheritance. Affected: yes.
Comment: Criteria applied: PM1_SUP,PM2_SUP,PP2,PP3

MVZ Medizinische Genetik Mainz
Classification: Uncertain significance for Snijders Blok-Campeau syndrome. Last evaluated: 2023-05-31. Review status: criteria provided, single submitter. Criteria: UK Practice Guidelines For Variant Classification V4 01 2020. Collection method: clinical testing. Allele origin: germline. Inheritance: Autosomal dominant inheritance. Affected: yes. Observed: 1 variant allele.
Comment: ACMG Criteria: PP3_STR,PM2_SUP,PP2

NM_001005273.3(CHD3):c.2356G>T (p.Gly786Cys)

Gene: CHD3 (chromodomain helicase DNA binding protein 3; plus strand). Cytogenetic location: 17p13.1.
Variant type: single nucleotide variant.
Coding change: c.2356G>T on transcript NM_001005273.3 (MANE Select); coding-DNA position 2356, G replaced by T.
Protein change: p.Gly786Cys; replaces glycine 786 with cysteine.
Molecular consequence: missense variant.
Genome position (GRCh38, 1-based): chr17:7,899,355, G>T. VCF-style: chr17-7899355-G-T. GRCh37 (hg19) VCF-style: chr17-7802673-G-T.
Other names: c.2533G>T, p.Gly845Cys (NM_001005271.3); c.2356G>T, p.Gly786Cys (NM_005852.4); short protein forms G786C, G845C.
Identifiers: ClinVar variation 3066338 (VCV003066338.2), dbSNP rs1970049457, ClinGen allele CA397937428.